The following is an entry in ClinVar:

NM_006648.4(WNK2):c.3841A>C (p.Ser1281Arg)

Gene: WNK2 (WNK lysine deficient protein kinase 2; plus strand). Cytogenetic location: 9q22.31.
Variant type: single nucleotide variant.
Coding change: c.3841A>C on transcript NM_006648.4 (MANE Select); coding-DNA position 3841, A replaced by C.
Protein change: p.Ser1281Arg; replaces serine 1281 with arginine.
Molecular consequence: missense variant.
Genome position (GRCh38, 1-based): chr9:93,267,890, A>C. VCF-style: chr9-93267890-A-C. GRCh37 (hg19) VCF-style: chr9-96030172-A-C.
Other names: c.3841A>C, p.Ser1281Arg (NM_001282394.3); short protein forms S1281R.
Identifiers: ClinVar variation 3816911 (VCV003816911.1).
Genomic context (GRCh38, chr9:93,267,890, plus strand): 5'-CTCAGCGAGGACACAGACGCCGACCGTGGCTCCGACCCAGGGACCAGCCCGCCACACCTC[A>C]GCACCTGCGGCCTGGGCACCGGGGAGGTGAGGTTGTGAAATCCGGGGTGGGAGGTGGTGA-3'
Protein context (NP_006639.3, residues 1271-1291): SDPGTSPPHL[Ser1281Arg]TCGLGTGEES

ClinVar aggregate classification (germline): Uncertain significance (1 of 4 stars; one submission).

Submission:

Ambry Genetics
Classification: Uncertain significance. Last evaluated: 2025-01-23. Review status: criteria provided, single submitter. Criteria: Ambry Variant Classification Scheme 2023. Collection method: clinical testing. Allele origin: germline.
Comment: The p.S1281R variant (also known as c.3841A>C), located in coding exon 16 of the WNK2 gene, results from an A to C substitution at nucleotide position 3841. The serine at codon 1281 is replaced by arginine, an amino acid with dissimilar properties. This amino acid position is conserved. In addition, this alteration is predicted to be tolerated by in silico analysis. Based on the available evidence, the clinical significance of this variant remains unclear.